The following is an entry in ClinVar:

NM_003491.4(NAA10):c.92A>G (p.Tyr31Cys)

Gene: NAA10 (N-alpha-acetyltransferase 10, NatA catalytic subunit; minus strand). Cytogenetic location: Xq28.
Variant type: single nucleotide variant.
Coding change: c.92A>G on transcript NM_003491.4 (MANE Select); coding-DNA position 92, A replaced by G.
Protein change: p.Tyr31Cys; replaces tyrosine 31 with cysteine.
Molecular consequence: missense variant.
Genome position (GRCh38, 1-based): chrX:153,934,405, T>C on the plus strand (A>G on the coding strand, the complement: NAA10 is on the minus strand). VCF-style: chrX-153934405-T-C. GRCh37 (hg19) VCF-style: chrX-153199858-T-C.
Other names: c.92A>G, p.Tyr31Cys (NM_001256119.2, NM_001256120.2); short protein forms Y31C.
Identifiers: ClinVar variation 432646 (VCV000432646.2), dbSNP rs1557107957, ClinGen allele CA415162023.

ClinVar aggregate classification (germline): Likely pathogenic (1 of 4 stars; one submission).

Submission:

GeneDx
Classification: Likely pathogenic. Last evaluated: 2017-06-13. Review status: criteria provided, single submitter. Criteria: GeneDx Variant Classification (06012015). Collection method: clinical testing. Allele origin: germline. Affected: yes.
Comment: The Y31C variant in the NAA10 gene has not been reported previously as a pathogenic variant, nor as a benign variant, to our knowledge. The Y31C variant is not observed in large population cohorts (Lek et al., 2016; 1000 Genomes Consortium et al., 2015; Exome Variant Server). The Y31C variant is a non-conservative amino acid substitution, which is likely to impact secondary protein structure as these residues differ in polarity, charge, size and/or other properties. This substitution occurs at a position that is conserved across species. In silico analysis predicts this variant is probably damaging to the protein structure/function. We interpret Y31C as a likely pathogenic variant.